The following is an entry in ClinVar:

NM_001923.5(DDB1):c.2901_2902dup (p.Ala968fs)

Gene: DDB1 (damage specific DNA binding protein 1; minus strand). Cytogenetic location: 11q12.2.
Variant type: Duplication.
Coding change: c.2901_2902dup on transcript NM_001923.5 (MANE Select); coding-DNA positions 2901 to 2902, 2 bases duplicated (GG; older notation c.2901_2902dupGG).
Protein change: p.Ala968fs; shifts the reading frame from alanine 968.
Molecular consequence: frameshift variant.
Genome position (GRCh38, 1-based): chr11:61,303,086-61,303,087, CC duplicated on the plus strand (GG on the coding strand, the reverse complement: DDB1 is on the minus strand); duplicating any 2 consecutive bases within chr11:61,303,086-61,303,090 gives the same sequence; the c. name uses the placement nearest the transcript's 3' end. VCF-style (leftmost placement, unchanged base first): chr11-61303085-G-GCC. GRCh37 (hg19) VCF-style: chr11-61070557-G-GCC.
Other names: c.2901_2902dup (NM_001923.4); short protein forms A968fs.
Identifiers: ClinVar variation 3370672 (VCV003370672.1).

ClinVar aggregate classification (germline): Uncertain significance (1 of 4 stars; one submission).

Submission:

GeneDx
Classification: Uncertain significance. Last evaluated: 2024-03-14. Review status: criteria provided, single submitter. Criteria: GeneDx Variant Classification Process June 2021. Collection method: clinical testing. Allele origin: germline. Affected: yes.
Comment: Frameshift variant predicted to result in protein truncation or nonsense mediated decay in a gene or region of a gene for which loss of function is not a well-established mechanism of disease; Not observed at significant frequency in large population cohorts (gnomAD); Has not been previously published as pathogenic or benign to our knowledge